The following is an entry in ClinVar:

ClinVar aggregate classification (germline): Conflicting classifications of pathogenicity. Review status: criteria provided, conflicting classifications (1 of 4 stars). 2 submissions from 2 submitters: Uncertain significance (1); Likely benign (1). Last evaluated 2025-05-15.

Conditions:
Hereditary cancer-predisposing syndrome. Also called: Hereditary neoplastic syndrome; Tumor predisposition; Neoplastic Syndromes, Hereditary; Hereditary Cancer Syndrome. Identifiers: Orphanet 140162, MedGen C0027672, MeSH D009386, MONDO:0015356.
Hereditary breast ovarian cancer syndrome. Also called: Hereditary breast and ovarian cancer; Hereditary breast and/or ovarian cancer syndrome; Breast and ovarian cancer; BRCA1- and BRCA2-Associated Hereditary Breast and Ovarian Cancer; Hereditary breast and ovarian cancer syndrome; Hereditary breast and ovarian cancer syndrome (HBOC). Identifiers: Orphanet 145, MedGen C0677776, MeSH D061325, MONDO:0003582. Disease mechanism: loss of function.

Allele frequency attached by ClinVar (database versions not stated): gnomAD exomes below 0.00001; TOPMed below 0.00001.
gnomAD v4.1: 1 of 1,614,132 alleles (0.000062%); highest among the groups gnomAD compares: African/African-American, 0.0013%; no homozygotes.

Submissions (2):

Ambry Genetics
Classification: Likely benign for Hereditary cancer-predisposing syndrome. Last evaluated: 2025-05-15. Review status: criteria provided, single submitter. Criteria: Ambry Variant Classification Scheme 2023. Collection method: clinical testing. Allele origin: germline.

Labcorp Genetics (formerly Invitae), Labcorp
Classification: Uncertain significance for Hereditary breast ovarian cancer syndrome. Last evaluated: 2023-04-09. Review status: criteria provided, single submitter. Criteria: Invitae Variant Classification Sherloc (09022015). Collection method: clinical testing. Allele origin: germline.
Comment: In summary, the available evidence is currently insufficient to determine the role of this variant in disease. Therefore, it has been classified as a Variant of Uncertain Significance. Advanced modeling of protein sequence and biophysical properties (such as structural, functional, and spatial information, amino acid conservation, physicochemical variation, residue mobility, and thermodynamic stability) performed at Invitae indicates that this missense variant is not expected to disrupt BRCA2 protein function. ClinVar contains an entry for this variant (Variation ID: 1348454). This variant has not been reported in the literature in individuals affected with BRCA2-related conditions. This variant is present in population databases (no rsID available, gnomAD 0.007%). This sequence change replaces isoleucine, which is neutral and non-polar, with methionine, which is neutral and non-polar, at codon 3114 of the BRCA2 protein (p.Ile3114Met).

NM_000059.4(BRCA2):c.9342T>G (p.Ile3114Met)

Gene: BRCA2 (BRCA2 DNA repair associated; plus strand). Cytogenetic location: 13q13.1.
Variant type: single nucleotide variant.
Coding change: c.9342T>G on transcript NM_000059.4 (MANE Select); coding-DNA position 9342, T replaced by G.
Protein change: p.Ile3114Met; replaces isoleucine 3114 with methionine.
Molecular consequence: missense variant.
Genome position (GRCh38, 1-based): chr13:32,394,774, T>G. VCF-style: chr13-32394774-T-G. GRCh37 (hg19) VCF-style: chr13-32968911-T-G.
Other names: short protein forms I3114M.
Identifiers: ClinVar variation 1348454 (VCV001348454.10), dbSNP rs1298195804, ClinGen allele CA387761055.